The following is an entry in ClinVar:

ClinVar aggregate classification (germline): Uncertain significance (1 of 4 stars; one submission).

Conditions:
Cardiovascular phenotype. Identifiers: MedGen CN230736.

Allele frequency attached by ClinVar (database versions not stated): gnomAD exomes below 0.00001; TOPMed 0.00001.
gnomAD v4.1: 1 of 1,614,084 alleles (0.000062%); highest among the groups gnomAD compares: Non-Finnish European, 0.000085%; no homozygotes.

Submission:

Ambry Genetics
Classification: Uncertain significance for Cardiovascular phenotype. Last evaluated: 2020-02-24. Review status: criteria provided, single submitter. Criteria: Ambry Variant Classification Scheme 2023. Collection method: clinical testing. Allele origin: germline.
Comment: The p.P3304S variant (also known as c.9910C>T), located in coding exon 41 of the TTN gene, results from a C to T substitution at nucleotide position 9910. The proline at codon 3304 is replaced by serine, an amino acid with similar properties. This amino acid position is highly conserved in available vertebrate species. In addition, this alteration is predicted to be tolerated by in silico analysis. Since supporting evidence is limited at this time, the clinical significance of this alteration remains unclear.

NM_001267550.2(TTN):c.10048C>T (p.Pro3350Ser)

Gene: TTN (titin; minus strand). Cytogenetic location: 2q31.2.
Variant type: single nucleotide variant.
Coding change: c.10048C>T on transcript NM_001267550.2 (MANE Select); coding-DNA position 10048, C replaced by T.
Protein change: p.Pro3350Ser; replaces proline 3350 with serine.
Molecular consequence: missense variant.
Genome position (GRCh38, 1-based): chr2:178,764,243, G>A on the plus strand (C>T on the coding strand, the complement: TTN is on the minus strand). VCF-style: chr2-178764243-G-A. GRCh37 (hg19) VCF-style: chr2-179628970-G-A.
Other names: c.10048C>T, p.Pro3350Ser (NM_001256850.1, NM_133378.4, NM_133379.5); c.9910C>T, p.Pro3304Ser (NM_003319.4, NM_133432.3, NM_133437.4); short protein forms P3350S, P3304S.
Identifiers: ClinVar variation 1768594 (VCV001768594.2), dbSNP rs1192725293, ClinGen allele CA349673825.